The following is an entry in ClinVar:

ClinVar aggregate classification (germline): Uncertain significance (1 of 4 stars; one submission).

gnomAD v4.1: 2 of 1,614,224 alleles (0.00012%); highest among the groups gnomAD compares: Non-Finnish European, 0.00017%; no homozygotes.

Submission:

GeneDx
Classification: Uncertain significance. Last evaluated: 2026-03-18. Review status: criteria provided, single submitter. Criteria: GeneDx Variant Classification Process June 2021. Collection method: clinical testing. Allele origin: germline.
Comment: Not observed at significant frequency in large population cohorts (gnomAD); In silico analysis suggests that this missense variant does not alter protein structure/function; Has not been previously published as pathogenic or benign to our knowledge

NM_005548.3(KARS1):c.1189G>T (p.Val397Leu)

Gene: KARS1 (lysyl-tRNA synthetase 1; minus strand). Cytogenetic location: 16q23.1.
Variant type: single nucleotide variant.
Coding change: c.1189G>T on transcript NM_005548.3 (MANE Select); coding-DNA position 1189, G replaced by T.
Protein change: p.Val397Leu; replaces valine 397 with leucine.
Molecular consequence: missense variant.
Genome position (GRCh38, 1-based): chr16:75,631,479, C>A on the plus strand (G>T on the coding strand, the complement: KARS1 is on the minus strand). VCF-style: chr16-75631479-C-A. GRCh37 (hg19) VCF-style: chr16-75665377-C-A.
Other names: c.1273G>T, p.Val425Leu (NM_001130089.2); c.721G>T, p.Val241Leu (NM_001378148.1); short protein forms V397L, V425L, V241L.
Identifiers: ClinVar variation 5009268 (VCV005009268.1).